The following is an entry in ClinVar:

NM_001009944.3(PKD1):c.9112C>T (p.Pro3038Ser)

Gene: PKD1 (polycystin 1, transient receptor potential channel interacting; minus strand). Cytogenetic location: 16p13.3.
Variant type: single nucleotide variant.
Coding change: c.9112C>T on transcript NM_001009944.3 (MANE Select); coding-DNA position 9112, C replaced by T.
Protein change: p.Pro3038Ser; replaces proline 3038 with serine.
Molecular consequence: missense variant.
Genome position (GRCh38, 1-based): chr16:2,102,470, G>A on the plus strand (C>T on the coding strand, the complement: PKD1 is on the minus strand). VCF-style: chr16-2102470-G-A. GRCh37 (hg19) VCF-style: chr16-2152471-G-A.
Other names: c.9112C>T (NM_000296.3); c.9112C>T, p.Pro3038Ser (NM_000296.4); short protein forms P3038S.
Identifiers: ClinVar variation 3367695 (VCV003367695.4).

ClinVar aggregate classification (germline): Uncertain significance. Review status: criteria provided, multiple submitters, no conflicts (2 of 4 stars). 3 submissions from 3 submitters: Uncertain significance (3). Last evaluated 2025-04-23.

Conditions:
Inborn genetic diseases. Identifiers: MedGen C0950123, MeSH D030342.
Polycystic kidney disease, adult type (PKD1). Also called: POLYCYSTIC KIDNEY DISEASE 1 WITH OR WITHOUT POLYCYSTIC LIVER DISEASE; Polycystic Kidney Disease 1, Autosomal Dominant; Polycystic kidney disease 1; Polycystic kidney disease 1, severe; POLYCYSTIC KIDNEY DISEASE, ADULT, TYPE I; Polycystic Kidney, Autosomal Dominant. Identifiers: MedGen C3149841, MONDO:0008263, OMIM 173900.

gnomAD v4.1: 4 of 1,558,038 alleles (0.00026%); highest among the groups gnomAD compares: African/African-American, 0.0014%; no homozygotes.

Submissions (3):

GeneDx
Classification: Uncertain significance. Last evaluated: 2025-04-23. Review status: criteria provided, single submitter. Criteria: GeneDx Variant Classification Process June 2021. Collection method: clinical testing. Allele origin: germline.
Comment: Not observed at significant frequency in large population cohorts (gnomAD); In silico analysis supports that this missense variant has a deleterious effect on protein structure/function; Has not been previously published as pathogenic or benign to our knowledge

Ambry Genetics
Classification: Uncertain significance for Inborn genetic diseases. Last evaluated: 2025-03-25. Review status: criteria provided, single submitter. Criteria: Ambry Variant Classification Scheme 2023. Collection method: clinical testing. Allele origin: germline.

Fulgent Genetics
Classification: Uncertain significance for Polycystic kidney disease, adult type. Last evaluated: 2024-03-26. Review status: criteria provided, single submitter. Criteria: ACMG Guidelines, 2015. Collection method: clinical testing. Allele origin: germline.